The following is an entry in ClinVar:

ClinVar aggregate classification (germline): Conflicting classifications of pathogenicity. Review status: criteria provided, conflicting classifications (1 of 4 stars). 2 submissions from 2 submitters: Uncertain significance (1); Likely benign (1). Last evaluated 2024-09-04.

Conditions:
Perlman syndrome (PRLMNS). Identifiers: Orphanet 2849, MedGen C0796113, MONDO:0009965, OMIM 267000.

Allele frequency attached by ClinVar (database versions not stated): gnomAD 0.00001; TOPMed 0.00002.
gnomAD v4.1: 52 of 1,607,274 alleles (0.0032%); highest among the groups gnomAD compares: South Asian, 0.014%; no homozygotes.

Submissions (2):

Blueprint Genetics
Classification: Likely benign. Last evaluated: 2024-09-04. Review status: criteria provided, single submitter. Criteria: ACMG Guidelines, 2015. Collection method: clinical testing. Allele origin: germline.

Labcorp Genetics (formerly Invitae), Labcorp
Classification: Uncertain significance for Perlman syndrome. Last evaluated: 2024-05-22. Review status: criteria provided, single submitter. Criteria: Invitae Variant Classification Sherloc (09022015). Collection method: clinical testing. Allele origin: germline.
Comment: This sequence change replaces glycine, which is neutral and non-polar, with aspartic acid, which is acidic and polar, at codon 877 of the DIS3L2 protein (p.Gly877Asp). This variant is present in population databases (rs753076827, gnomAD 0.03%). This variant has not been reported in the literature in individuals affected with DIS3L2-related conditions. ClinVar contains an entry for this variant (Variation ID: 657493). Algorithms developed to predict the effect of missense changes on protein structure and function output the following: SIFT: "Not Available"; PolyPhen-2: "Not Available"; Align-GVGD: "Not Available". The aspartic acid amino acid residue is found in multiple mammalian species, which suggests that this missense change does not adversely affect protein function. In summary, the available evidence is currently insufficient to determine the role of this variant in disease. Therefore, it has been classified as a Variant of Uncertain Significance.

NM_152383.5(DIS3L2):c.2630G>A (p.Gly877Asp)

Gene: DIS3L2 (DIS3 like 3'-5' exoribonuclease 2; plus strand). Cytogenetic location: 2q37.1.
Variant type: single nucleotide variant.
Coding change: c.2630G>A on transcript NM_152383.5 (MANE Select); coding-DNA position 2630, G replaced by A.
Protein change: p.Gly877Asp; replaces glycine 877 with aspartic acid.
Molecular consequence: missense variant. On other transcripts: non-coding transcript variant (2), intron variant (1).
Genome position (GRCh38, 1-based): chr2:232,336,602, G>A. VCF-style: chr2-232336602-G-A. GRCh37 (hg19) VCF-style: chr2-233201312-G-A.
Other names: c.1582-6743G>A (NM_001257281.2); short protein forms G877D.
Identifiers: ClinVar variation 657493 (VCV000657493.8), dbSNP rs753076827, ClinGen allele CA2164642.